The following is an entry in ClinVar:

NM_018489.3(ASH1L):c.6337A>T (p.Ile2113Phe)

Gene: ASH1L (ASH1 like histone lysine methyltransferase; minus strand). Cytogenetic location: 1q22.
Variant type: single nucleotide variant.
Coding change: c.6337A>T on transcript NM_018489.3 (MANE Select); coding-DNA position 6337, A replaced by T.
Protein change: p.Ile2113Phe; replaces isoleucine 2113 with phenylalanine.
Molecular consequence: missense variant.
Genome position (GRCh38, 1-based): chr1:155,370,979, T>A on the plus strand (A>T on the coding strand, the complement: ASH1L is on the minus strand). VCF-style: chr1-155370979-T-A. GRCh37 (hg19) VCF-style: chr1-155340770-T-A.
Other names: c.6352A>T, p.Ile2118Phe (NM_001366177.2); short protein forms I2113F, I2118F.
Identifiers: ClinVar variation 3067451 (VCV003067451.21), dbSNP rs2525961361, ClinGen allele CA342755071.

ClinVar aggregate classification (germline): Uncertain significance (1 of 4 stars; one submission).

Submission:

CeGaT Center for Human Genetics Tuebingen
Classification: Uncertain significance. Last evaluated: 2024-03-01. Review status: criteria provided, single submitter. Criteria: CeGaT Center For Human Genetics Tuebingen Variant Classification Criteria Version 2. Collection method: clinical testing. Allele origin: germline. Affected: yes. Observed: 1 variant allele.
Comment: ASH1L: PM2